The following is an entry in ClinVar:

ClinVar aggregate classification (germline): Conflicting classifications of pathogenicity. Review status: criteria provided, conflicting classifications (1 of 4 stars). 3 submissions from 3 submitters: Uncertain significance (1); Likely benign (2). Last evaluated 2025-04-08.

Conditions:
FBXL4-related disorder. Also called: FBXL4-related condition.
Mitochondrial DNA depletion syndrome 13. Also called: Mitochondrial DNA depletion syndrome 13 (encephalomyopathic type); FBXL4-Related Encephalomyopathic Mitochondrial DNA Depletion Syndrome. Identifiers: Orphanet 369897, MedGen C3809592, MONDO:0014198, OMIM 615471.

Allele frequency attached by ClinVar (database versions not stated): TOPMed 0.00006.
gnomAD v4.1: 15 of 1,613,940 alleles (0.00093%); highest among the groups gnomAD compares: African/African-American, 0.019%; no homozygotes.

Submissions (3):

PreventionGenetics, part of Exact Sciences
Classification: Likely benign for FBXL4-related condition. Last evaluated: 2025-04-08. Review status: criteria provided, single submitter. Criteria: ACMG Guidelines, 2015. Collection method: clinical testing. Allele origin: germline.
Comment: This variant is classified as likely benign based on ACMG/AMP sequence variant interpretation guidelines (Richards et al. 2015 PMID: 25741868, with internal and published modifications).

Labcorp Genetics (formerly Invitae), Labcorp
Classification: Likely benign. Last evaluated: 2024-07-15. Review status: criteria provided, single submitter. Criteria: Invitae Variant Classification Sherloc (09022015). Collection method: clinical testing. Allele origin: germline.

Wong Mito Lab, Molecular and Human Genetics, Baylor College of Medicine
Classification: Uncertain significance for Mitochondrial DNA depletion syndrome 13. Last evaluated: 2017-08-10. Review status: criteria provided, single submitter. Criteria: ACMG Guidelines, 2015. Collection method: reference population. Allele origin: germline.
Comment: The NM_012160.4:c.747T>C (NP_036292.2:p.Asp249=) [GRCH38: NC_000006.12:g.98917485A>G] variant in FBXL4 gene is interpretated to be a Uncertain Significance - Conflicting Evidence based on ACMG guidelines (PMID: 25741868). This variant meets one or more of the following evidence codes reported in the ACMG-guideline. PM2:This variant is absent in key population databases. BP4:Computational evidence/predictors indicate no impact on the FBXL4 structure, function, or protein-protein interaction. BP7:The variant is silent with non predicted splice impact. Based on this evidence code ClinGen Pathogenicity Calculator (PMID:28081714) suggested that the variant is Uncertain Significance - Conflicting Evidence.

NM_001278716.2(FBXL4):c.747T>C (p.Asp249=)

Gene: FBXL4 (F-box and leucine rich repeat protein 4; minus strand). Cytogenetic location: 6q16.2.
Variant type: single nucleotide variant.
Coding change: c.747T>C on transcript NM_001278716.2 (MANE Select); coding-DNA position 747, T replaced by C.
Protein change: p.Asp249=; no amino-acid change (aspartic acid 249 retained).
Molecular consequence: synonymous variant.
Genome position (GRCh38, 1-based): chr6:98,917,485, A>G on the plus strand (T>C on the coding strand, the complement: FBXL4 is on the minus strand). VCF-style: chr6-98917485-A-G. GRCh37 (hg19) VCF-style: chr6-99365361-A-G.
Other names: c.747T>C, p.Asp249= (NM_012160.5).
Identifiers: ClinVar variation 437629 (VCV000437629.4), dbSNP rs138206466, ClinGen allele CA3933624.